The following is an entry in ClinVar:

NM_001080.3(ALDH5A1):c.*1286A>G

Gene: ALDH5A1 (aldehyde dehydrogenase 5 family member A1; plus strand). Cytogenetic location: 6p22.3.
Variant type: single nucleotide variant.
Coding change: c.*1286A>G on transcript NM_001080.3 (MANE Select); 1286 bases downstream of the stop codon, A replaced by G.
Molecular consequence: 3 prime UTR variant.
Genome position (GRCh38, 1-based): chr6:24,534,998, A>G. VCF-style: chr6-24534998-A-G. GRCh37 (hg19) VCF-style: chr6-24535226-A-G.
Other names: c.*1286A>G (NM_001368954.1, NM_170740.1).
Identifiers: ClinVar variation 904256 (VCV000904256.4), dbSNP rs9467217, ClinGen allele CA136114957.

ClinVar aggregate classification (germline): Benign (1 of 4 stars; one submission).

Conditions:
Succinate-semialdehyde dehydrogenase deficiency (SSADHD). Also called: Succinic Semialdehyde Dehydrogenase Deficiency; 4-HYDROXYBUTYRIC ACIDURIA; GABA METABOLIC DEFECT; SSADH DEFICIENCY. Identifiers: Orphanet 22, MedGen C0268631, MONDO:0010083, OMIM 271980.

Allele frequency attached by ClinVar (database versions not stated): 1000 Genomes Project 0.00679; 1000 Genomes Project 30x 0.00734; gnomAD 0.00772 and 0.00833; TOPMed 0.00860.

Submission:

Illumina Laboratory Services, Illumina
Classification: Benign for Succinate-semialdehyde dehydrogenase deficiency. Last evaluated: 2017-04-27. Review status: criteria provided, single submitter. Criteria: ICSL Variant Classification Criteria 13 December 2019. Collection method: clinical testing. Allele origin: germline.
Comment: This variant was observed as part of a predisposition screen in an ostensibly healthy population. A literature search was performed for the gene, cDNA change, and amino acid change (where applicable). No publications were found based on this search. Allele frequency data from public databases was too high to be consistent with this variant causing disease. Therefore, this variant is classified as benign.